The following is an entry in ClinVar:

NM_000212.3(ITGB3):c.433G>A (p.Asp145Asn)

Gene: ITGB3 (integrin subunit beta 3; plus strand). Cytogenetic location: 17q21.32.
Variant type: single nucleotide variant.
Coding change: c.433G>A on transcript NM_000212.3 (MANE Select); coding-DNA position 433, G replaced by A.
Protein change: p.Asp145Asn; replaces aspartic acid 145 with asparagine.
Molecular consequence: missense variant.
Genome position (GRCh38, 1-based): chr17:47,284,514, G>A. VCF-style: chr17-47284514-G-A. GRCh37 (hg19) VCF-style: chr17-45361880-G-A.
Other names: short protein forms D145N.
Identifiers: ClinVar variation 627066 (VCV000627066.7), dbSNP rs121918445, ClinGen allele CA400021939.

ClinVar aggregate classification (germline): Likely pathogenic. Review status: reviewed by expert panel (3 of 4 stars). 3 submissions from 3 submitters: Likely pathogenic (1). 2 of the submissions do not count toward it. Last evaluated 2023-11-02.

Conditions:
Glanzmann thrombasthenia 2. Also called: BLEEDING DISORDER, PLATELET-TYPE, 23. Identifiers: MedGen C5543273, MONDO:0031009, OMIM 619267.
Glanzmann thrombasthenia. Also called: BLEEDING DISORDER, PLATELET-TYPE, 2; THROMBASTHENIA OF GLANZMANN AND NAEGELI; Thrombasthenia; PLATELET GLYCOPROTEIN IIb-IIIa DEFICIENCY; Glanzmann's thrombasthenia. Identifiers: Orphanet 849, MedGen C0040015, MONDO:0100326.

Submissions (3):

ClinGen Platelet Disorders Variant Curation Expert Panel, ClinGen
Classification: Likely pathogenic for Glanzmann thrombasthenia. Last evaluated: 2023-11-02. Review status: reviewed by expert panel. Criteria: ClinGen Platelet ACMG Specifications v2-1. Collection method: curation. Allele origin: germline. Inheritance: Autosomal recessive inheritance.
Comment: The NM_000212.2:c.433G>A variant that results in the Asp145Asn amino acid change is reported in two homozygous individuals in the literature (PMID: 31064749 and Proband NR in PMID: 9215749, Blood abstracts 1997 Suppl., & GT database; PM3). It is absent in population databases, including gnomADv2.1.1 (PM2_supporting) and is predicted damaging by in-silico tools (REVEL score 0.89; PP3). Asp145Tyr is a variant reported at the same residue and classified as likely pathogenic by the Platelet Disorders VCEP (PM5). In summary, based on the available evidence at this time, the Asp145Asn variant is classified as Likely Pathogenic. GT-specific criteria applied: PM2_supporting, PM3, PP3, PP4_moderate and PM5.

Dubai Health Genomic Medicine Center, Dubai Health
Classification: Likely pathogenic for Glanzmann thrombasthenia 2. Last evaluated: 2024-10-04. Review status: criteria provided, single submitter. Criteria: ACMG Guidelines, 2015. Collection method: research. Allele origin: germline. Affected: yes. Not counted in ClinVar's aggregate classification.
Comment: PM3,PP4,PM2,PP3,PM5,PM1

NIHR Bioresource Rare Diseases, University of Cambridge
Classification: Pathogenic for Glanzmann thrombasthenia 1. Last evaluated: 2019-02-01. Review status: criteria provided, single submitter. Criteria: ACMG Guidelines, 2015. Collection method: research. Allele origin: unknown. Affected: yes. Observed: 1 homozygote. Study: ThromboGenomics. Not counted in ClinVar's aggregate classification.

Literature cited by the submitters: PubMed 9215749 (cited by ClinGen Platelet Disorders Variant Curation Expert Panel, ClinGen); PubMed 31064749 (cited by NIHR Bioresource Rare Diseases, University of Cambridge).